The following is an entry in ClinVar:

NM_000350.3(ABCA4):c.5087G>A (p.Ser1696Asn)

Gene: ABCA4 (ATP binding cassette subfamily A member 4; minus strand). Cytogenetic location: 1p22.1.
Variant type: single nucleotide variant.
Coding change: c.5087G>A on transcript NM_000350.3 (MANE Select); coding-DNA position 5087, G replaced by A.
Protein change: p.Ser1696Asn; replaces serine 1696 with asparagine.
Molecular consequence: missense variant.
Genome position (GRCh38, 1-based): chr1:94,019,691, C>T on the plus strand (G>A on the coding strand, the complement: ABCA4 is on the minus strand). VCF-style: chr1-94019691-C-T. GRCh37 (hg19) VCF-style: chr1-94485247-C-T.
Other names: c.4865G>A, p.Ser1622Asn (NM_001425324.1); short protein forms S1696N, S1622N.
Identifiers: ClinVar variation 99344 (VCV000099344.18), dbSNP rs61750564, ClinGen allele CA227272.
Genomic context (GRCh38, chr1:94,019,691, plus strand): 5'-CTGATAAACTGGAGGTGCTTGGATTTGTTCACCCGCTCCTGGATCAAATAAAGGACAAAG[C>T]TGGCTGGGACGAAGGACATGGAGAAAATCACGCAGATGGCAACCACAGCATCCACTGAAG-3'
Protein context (NP_000341.2, residues 1686-1706): VIFSMSFVPA[Ser1696Asn]FVLYLIQERV

ClinVar aggregate classification (germline): Pathogenic/Likely pathogenic. Review status: criteria provided, multiple submitters, no conflicts (2 of 4 stars). 9 submissions from 8 submitters: Pathogenic (3); Likely pathogenic (5). 1 of the submissions does not count toward it. Last evaluated 2026-07-31.

Conditions:
ABCA4-related disorder. Also called: ABCA4-related disorders; ABCA4-related condition. Identifiers: MedGen CN239167.
Severe early-childhood-onset retinal dystrophy (STGD1). Also called: Stargardt macular dystrophy; Juvenile onset macular degeneration; Stargardt disease 1; STGD; MACULAR DYSTROPHY WITH FLECKS, TYPE 1. Identifiers: Orphanet 364055, Orphanet 827, MedGen C1855465, MeSH D000080362, MONDO:0009549, OMIM 248200.
Cone-rod dystrophy 3 (CORD3). Identifiers: Orphanet 1872, MedGen C1858806, MONDO:0011395, OMIM 604116.
Retinitis pigmentosa 19 (RP19). Also called: ABCA4-Related Retinitis Pigmentosa. Identifiers: Orphanet 791, MedGen C1866422, MONDO:0011137, OMIM 601718.
Age related macular degeneration 2. Also called: MACULOPATHY, AGE-RELATED; MACULAR DEGENERATION, SENILE; MACULOPATHY, AGE-RELATED, 2. Identifiers: MedGen C3495438, MONDO:0007932, OMIM 153800.
Retinal dystrophy. Also called: Inherited retinal dystrophy. Identifiers: Orphanet 71862, MedGen C0854723, MeSH D058499, MONDO:0019118, HP:0000556.

Allele frequency attached by ClinVar (database versions not stated): TOPMed 0.00003; gnomAD 0.00003.
gnomAD v4.1: 28 of 1,613,676 alleles (0.0017%); highest among the groups gnomAD compares: Admixed American, 0.015%; no homozygotes.

Submissions (9):

PreventionGenetics, part of Exact Sciences
Classification: Pathogenic for ABCA4-related condition. Last evaluated: 2026-07-31. Review status: criteria provided, single submitter. Criteria: ACMG Guidelines, 2015. Collection method: clinical testing. Allele origin: germline.
Comment: The ABCA4 c.5087G>A variant is predicted to result in the amino acid substitution p.Ser1696Asn. This variant has been reported in many individuals with retinal disease (see for examples: Lewis et al. 1999. PubMed ID: 9973280; eTable 1, Bianco et al. 2023. PubMed ID: 37498587; Tables S2 and S3, Falsini et al. 2022. PubMed ID: 35260635; Table S1, Karali et al. 2022. PubMed ID: 36460718). This variant is present in 0.023% of alleles in individuals of Latino descent in gnomAD, and has been classified as pathogenic or likely pathogenic by multiple independent submitters to ClinVar (Variation ID: 99344). Given the evidence, we interpret this variant as pathogenic.

Labcorp Genetics (formerly Invitae), Labcorp
Classification: Pathogenic. Last evaluated: 2026-01-25. Review status: criteria provided, single submitter. Criteria: Invitae Variant Classification Sherloc (09022015). Collection method: clinical testing. Allele origin: germline.
Comment: This sequence change replaces serine, which is neutral and polar, with asparagine, which is neutral and polar, at codon 1696 of the ABCA4 protein (p.Ser1696Asn). This variant is present in population databases (rs61750564, gnomAD 0.02%). This missense change has been observed in individuals with Stargardt disease (PMID: 18854780, 20128570, 24409374, 29854428). ClinVar contains an entry for this variant (Variation ID: 99344). Invitae Evidence Modeling of protein sequence and biophysical properties (such as structural, functional, and spatial information, amino acid conservation, physicochemical variation, residue mobility, and thermodynamic stability) indicates that this missense variant is expected to disrupt ABCA4 protein function with a positive predictive value of 95%. Algorithms developed to predict the effect of sequence changes on RNA splicing suggest that this variant may create or strengthen a splice site. For these reasons, this variant has been classified as Pathogenic.

3billion
Classification: Likely pathogenic for Severe early-childhood-onset retinal dystrophy. Last evaluated: 2024-12-31. Review status: criteria provided, single submitter. Criteria: ACMG Guidelines, 2015. Collection method: clinical testing. Allele origin: germline. Affected: yes.
Comment: The variant is observed at an extremely low frequency in the gnomAD v4.1.0 dataset (total allele frequency: 0.002%). Predicted Consequence/Location: Missense variant In silico tool predictions suggest damaging effect of the variant on gene or gene product [REVEL: 0.69 (>=0.6, sensitivity 0.68 and specificity 0.92); 3Cnet: 0.96 (>=0.6, sensitivity 0.72 and precision 0.9)]. The same nucleotide change resulting in the same amino acid change has been previously reported as pathogenic/likely pathogenic with strong evidence (ClinVar ID: VCV000099344 /PMID: 9973280). Different missense changes at the same codon (p.Ser1696Arg, p.Ser1696Gly, p.Ser1696Thr) have been reported as pathogenic/likely pathogenic with strong evidence (ClinVar ID: VCV000438099, VCV002821867, VCV002822370 /PMID: 23982839, 33090715). Therefore, this variant is classified as Likely pathogenic according to the recommendation of ACMG/AMP guideline.

Fulgent Genetics
Classification: Likely pathogenic for Age related macular degeneration 2; Severe early-childhood-onset retinal dystrophy; Retinitis pigmentosa 19; Cone-rod dystrophy 3. Last evaluated: 2024-01-27. Review status: criteria provided, single submitter. Criteria: ACMG Guidelines, 2015. Collection method: clinical testing. Allele origin: germline.

Blueprint Genetics
Classification: Pathogenic for ABCA4-related disorders. Last evaluated: 2022-09-01. Review status: criteria provided, single submitter. Criteria: ACMG Guidelines, 2015. Collection method: clinical testing. Allele origin: germline. Affected: yes. Observed: 5 variant alleles.

GeneDx
Classification: Likely pathogenic. Last evaluated: 2020-11-20. Review status: criteria provided, single submitter. Criteria: GeneDx Variant Classification Process June 2021. Collection method: clinical testing. Allele origin: germline. Affected: yes.
Comment: In silico analysis supports that this missense variant has a deleterious effect on protein structure/function; This variant is associated with the following publications: (PMID: 9973280, 31589614, 29854428, 28044389, 28118664, 24409374, 19265867, 18854780, 28365912, 18652558, 25097154, 22076985, 21873672, 19324865)

Institute of Human Genetics, Univ. Regensburg, Univ. Regensburg
Classification: Likely pathogenic for Retinal dystrophy. Last evaluated: 2020-01-01. Review status: criteria provided, single submitter. Criteria: ACMG Guidelines, 2015. Collection method: clinical testing. Allele origin: germline. Affected: yes.

Institute of Human Genetics, Univ. Regensburg, Univ. Regensburg
Classification: Likely pathogenic for Severe early-childhood-onset retinal dystrophy. Last evaluated: 2016-01-01. Review status: criteria provided, single submitter. Criteria: Schulz et al. (Invest Ophthalmol Vis Sci. 2017). Collection method: clinical testing. Allele origin: germline. Affected: yes. Observed: 1 heterozygote.

Retina International
No classification provided. Review status: no classification provided. Collection method: not provided. Allele origin: not provided. Not counted in ClinVar's aggregate classification.

Literature cited by the submitters: PubMed 18854780 (cited by Labcorp Genetics (formerly Invitae), Labcorp); PubMed 20128570 (cited by Labcorp Genetics (formerly Invitae), Labcorp); PubMed 24409374 (cited by Labcorp Genetics (formerly Invitae), Labcorp); PubMed 29854428 (cited by Labcorp Genetics (formerly Invitae), Labcorp); PubMed 23982839 (cited by 3billion); PubMed 9973280 (cited by 3billion and Institute of Human Genetics, Univ. Regensburg, Univ. Regensburg); PubMed 31589614 (cited by Institute of Human Genetics, Univ. Regensburg, Univ. Regensburg); PubMed 33375396 (cited by Institute of Human Genetics, Univ. Regensburg, Univ. Regensburg); PubMed 31964843 (cited by Institute of Human Genetics, Univ. Regensburg, Univ. Regensburg); PubMed 35260635 (cited by Institute of Human Genetics, Univ. Regensburg, Univ. Regensburg); PubMed 36460718 (cited by Institute of Human Genetics, Univ. Regensburg, Univ. Regensburg).